The following is an entry in ClinVar:

ClinVar aggregate classification (germline): Conflicting classifications of pathogenicity. Review status: criteria provided, conflicting classifications (1 of 4 stars). 4 submissions from 4 submitters: Likely pathogenic (2); Uncertain significance (1). 1 of the submissions does not count toward it. Last evaluated 2026-06-01.

Conditions:
Optic atrophy. Identifiers: MedGen C0029124, MONDO:0003608, HP:0000648.
Autosomal dominant optic atrophy classic form (OPA1). Also called: Optic Atrophy Type 1; KJER-TYPE OPTIC ATROPHY; OPTIC ATROPHY, JUVENILE. Identifiers: Orphanet 98673, MedGen C0338508, MONDO:0008134, OMIM 165500.

Submissions (4):

The Central Laboratory of Birth Defects Prevention and Control, The Affiliated Women and Children's Hospital of Ningbo University
Classification: Likely pathogenic for Autosomal dominant optic atrophy classic form. Last evaluated: 2026-06-01. Review status: criteria provided, single submitter. Criteria: ACMG Guidelines, 2015. Collection method: research. Allele origin: maternal. Affected: yes.
Comment: The results of exome sequencing revealed that 1377+5G>A presented， in the OPA1 gene, was initially categorized as a variant of likely pathogenic, with supporting evidence detailed below:PVS1_Strong: The in vivo experiments showed that the exon 14 skipping variant c.1306_1377del (p.Ile437_Thr460del) maintains the downstream open reading frame, leading to an in-frame deletion of 24 amino acids and a 991-residue truncated protein. PM2_P: This variant is absent from the gnomAD population database, indicating an extremely low population allele frequency.

GeneDx
Classification: Likely pathogenic. Last evaluated: 2026-03-18. Review status: criteria provided, single submitter. Criteria: GeneDx Variant Classification Process June 2021. Collection method: clinical testing. Allele origin: germline.
Comment: Intronic +5 splice site variant in a gene for which loss of function is a known mechanism of disease, and both splice predictors and evolutionary conservation support a deleterious effect, although in the absence of functional evidence the actual effect of this sequence change is unknown.; Not observed at significant frequency in large population cohorts (gnomAD); Also known as c.1377+5G>A and c.1323+5G>A using alternate nomenclature; This variant is associated with the following publications: (PMID: 32581362, 31500643, 38219857, 39423307)

Labcorp Genetics (formerly Invitae), Labcorp
Classification: Uncertain significance. Last evaluated: 2021-12-21. Review status: criteria provided, single submitter. Criteria: Invitae Variant Classification Sherloc (09022015). Collection method: clinical testing. Allele origin: germline.
Comment: In summary, the available evidence is currently insufficient to determine the role of this variant in disease. Therefore, it has been classified as a Variant of Uncertain Significance. This variant disrupts the c.1212+5G nucleotide in the OPA1 gene. Other variant(s) that disrupt this nucleotide have been determined to be pathogenic (PMID: 17722006, 33884488). This suggests that this nucleotide is clinically significant, and that variants that disrupt this position are likely to be disease-causing. Variants that disrupt the consensus splice site are a relatively common cause of aberrant splicing (PMID: 17576681, 9536098). Algorithms developed to predict the effect of sequence changes on RNA splicing suggest that this variant may disrupt the consensus splice site. This variant is also known as c.1377+5G>A and c.1323+5G>A. This variant has been observed in individual(s) with OPA1-related conditions (PMID: 31500643, 32581362). This variant is not present in population databases (gnomAD no frequency). This sequence change falls in intron 12 of the OPA1 gene. It does not directly change the encoded amino acid sequence of the OPA1 protein. It affects a nucleotide within the consensus splice site.

Institute of Human Genetics, Univ. Regensburg, Univ. Regensburg
Classification: Likely pathogenic for Optic atrophy. Last evaluated: 2009-01-01. Review status: no assertion criteria provided. Criteria: ACMG Guidelines, 2015. Collection method: clinical testing. Allele origin: germline. Affected: yes. Not counted in ClinVar's aggregate classification.

Literature cited by the submitters: PubMed 31500643 (cited by The Central Laboratory of Birth Defects Prevention and Control, The Affiliated Women and Children's Hospital of Ningbo University and Labcorp Genetics (formerly Invitae), Labcorp); PubMed 32581362 (cited by The Central Laboratory of Birth Defects Prevention and Control, The Affiliated Women and Children's Hospital of Ningbo University and Labcorp Genetics (formerly Invitae), Labcorp); PubMed 34242285 (cited by The Central Laboratory of Birth Defects Prevention and Control, The Affiliated Women and Children's Hospital of Ningbo University); PubMed 17722006 (cited by Labcorp Genetics (formerly Invitae), Labcorp); PubMed 33884488 (cited by Labcorp Genetics (formerly Invitae), Labcorp); PubMed 17576681 (cited by Labcorp Genetics (formerly Invitae), Labcorp); PubMed 9536098 (cited by Labcorp Genetics (formerly Invitae), Labcorp).

NM_130837.3(OPA1):c.1377+5G>A

Gene: OPA1 (OPA1 mitochondrial dynamin like GTPase; plus strand). Cytogenetic location: 3q29.
Variant type: single nucleotide variant.
Coding change: c.1377+5G>A on transcript NM_130837.3 (MANE Select); 5 bases into the intron after coding-DNA position 1377, G replaced by A.
Molecular consequence: intron variant.
Genome position (GRCh38, 1-based): chr3:193,643,449, G>A. VCF-style: chr3-193643449-G-A. GRCh37 (hg19) VCF-style: chr3-193361238-G-A.
Other names: c.840+5G>A (NM_001354664.2); c.843+5G>A (NM_001354663.2); c.1266+5G>A (NM_130834.3); c.1323+5G>A (NM_130836.3); c.1212+5G>A (NM_015560.3); c.1269+5G>A (NM_130835.3); c.1158+5G>A (NM_130832.3); c.1215+5G>A (NM_130833.3); and 1 more.
Identifiers: ClinVar variation 2178613 (VCV002178613.7), dbSNP rs863224136, ClinGen allele CA2580070570.